The following is an entry in ClinVar:

ClinVar aggregate classification (germline): Uncertain significance (1 of 4 stars; one submission).

Submission:

GeneDx
Classification: Uncertain significance. Last evaluated: 2024-04-26. Review status: criteria provided, single submitter. Criteria: GeneDx Variant Classification Process June 2021. Collection method: clinical testing. Allele origin: germline. Affected: yes.
Comment: Not observed at significant frequency in large population cohorts (gnomAD); Frameshift variant predicted to result in protein truncation or nonsense mediated decay in a gene or region of a gene for which loss of function is not a well-established mechanism of disease; Has not been previously published as pathogenic or benign to our knowledge

NM_002240.5(KCNJ6):c.227_234dup (p.Asp79delinsThrTer)

Genes: KCNJ6 (potassium inwardly rectifying channel subfamily J member 6; minus strand), KCNJ6-AS1 (KCNJ6 antisense RNA 1; plus strand). Cytogenetic location: 21q22.13.
Variant type: Duplication.
Coding change: c.227_234dup on transcript NM_002240.5 (MANE Select); coding-DNA positions 227 to 234, 8 bases duplicated (ACCTGACC; older notation c.227_234dupACCTGACC).
Protein change: p.Asp79delinsThrTer.
Molecular consequence: nonsense. On other transcripts: non-coding transcript variant (1).
Genome position (GRCh38, 1-based): chr21:37,714,923-37,714,930, GGTCAGGT duplicated on the plus strand (ACCTGACC on the coding strand, the reverse complement: KCNJ6 is on the minus strand). VCF-style (leftmost placement, unchanged base first): chr21-37714922-C-CGGTCAGGT. GRCh37 (hg19) VCF-style: chr21-39087225-C-CGGTCAGGT.
Identifiers: ClinVar variation 3372759 (VCV003372759.1).